The following is an entry in ClinVar:

ClinVar aggregate classification (germline): Uncertain significance. Review status: criteria provided, multiple submitters, no conflicts (2 of 4 stars). 3 submissions from 3 submitters: Uncertain significance (3). Last evaluated 2024-06-10.

Conditions:
Dilated cardiomyopathy 1G (CMD1G). Identifiers: Orphanet 154, MedGen C1858763, MONDO:0011400, OMIM 604145.
Tibial muscular dystrophy (TMD). Also called: UDD MYOPATHY; Udd Distal Myopathy – Tibial Muscular Dystrophy; Tibial muscular dystrophy, tardive. Identifiers: Orphanet 609, MedGen C1838244, MONDO:0010870, OMIM 600334.
Early-onset myopathy with fatal cardiomyopathy (CMYO5). Also called: Salih Myopathy; CONGENITAL MYOPATHY 5 WITH CARDIOMYOPATHY. Identifiers: Orphanet 289377, MedGen C2673677, MONDO:0012714, OMIM 611705. Disease mechanism: loss of function.
Autosomal recessive limb-girdle muscular dystrophy type 2J (LGMDR10). Also called: Limb-girdle muscular dystrophy, type 2J; MUSCULAR DYSTROPHY, LIMB-GIRDLE, AUTOSOMAL RECESSIVE 10. Identifiers: Orphanet 140922, MedGen C1837342, MONDO:0012127, OMIM 608807.
Hypertrophic cardiomyopathy 9. Also called: Familial hypertrophic cardiomyopathy 9. Identifiers: MedGen C1861065, MONDO:0013412, OMIM 613765.
Myopathy, myofibrillar, 9, with early respiratory failure (MFM9). Also called: Hereditary myopathy with early respiratory failure; EDSTROM MYOPATHY; MYOPATHY, PROXIMAL, WITH EARLY RESPIRATORY MUSCLE INVOLVEMENT; Myopathy, distal, with early respiratory failure, autosomal dominant. Identifiers: Orphanet 178464, Orphanet 34521, MedGen C1863599, MONDO:0011362, OMIM 603689.
Cardiovascular phenotype. Identifiers: MedGen CN230736.

Allele frequency attached by ClinVar (database versions not stated): gnomAD exomes 0.00005 and 0.00011; gnomAD 0.00006; TOPMed 0.00007; ExAC 0.00008; ESP Exome Variant Server 0.00008.
gnomAD v4.1: 169 of 1,611,994 alleles (0.01%); highest among the groups gnomAD compares: Middle Eastern, 0.082%; 1 homozygote.

Submissions (3):

Fulgent Genetics
Classification: Uncertain significance for Tibial muscular dystrophy; Myopathy, myofibrillar, 9, with early respiratory failure; Dilated cardiomyopathy 1G; Autosomal recessive limb-girdle muscular dystrophy type 2J; Early-onset myopathy with fatal cardiomyopathy; Hypertrophic cardiomyopathy 9. Last evaluated: 2024-06-10. Review status: criteria provided, single submitter. Criteria: ACMG Guidelines, 2015. Collection method: clinical testing. Allele origin: germline.

CeGaT Center for Human Genetics Tuebingen
Classification: Uncertain significance. Last evaluated: 2017-02-28. Review status: criteria provided, single submitter. Criteria: Praxis fuer Humangenetik Tuebingen - Variant Classification Criteria. Collection method: clinical testing. Allele origin: germline. Affected: yes. Observed: 1 variant allele.

Ambry Genetics
Classification: Uncertain significance for Cardiovascular phenotype. Last evaluated: 2015-06-29. Review status: criteria provided, single submitter. Criteria: Ambry Variant Classification Scheme 2023. Collection method: clinical testing. Allele origin: germline.
Comment: The p.R6262H variant (also known as c.18785G>A), located in coding exon 75 of the TTN gene, results from a G to A substitution at nucleotide position 18785. The arginine at codon 6262 is replaced by histidine, an amino acid with highly similar properties. This variant was previously reported in the SNPDatabase as rs374697274. Based on data from the NHLBI Exome Sequencing Project (ESP), the A allele has an overall frequency of approximately 0.01% (1/12080) total alleles studied and 0.01% (1/8242) European American alleles. This amino acid position is highly conserved in available vertebrate species. In addition, this alteration is predicted to be tolerated by in silico analysis. Since supporting evidence for this variant is limited at this time, its clinical significance is unclear.

NM_001267550.2(TTN):c.45980G>A (p.Arg15327His)

Gene: TTN (titin; minus strand). Cytogenetic location: 2q31.2.
Variant type: single nucleotide variant.
Coding change: c.45980G>A on transcript NM_001267550.2 (MANE Select); coding-DNA position 45980, G replaced by A.
Protein change: p.Arg15327His; replaces arginine 15327 with histidine.
Molecular consequence: missense variant.
Genome position (GRCh38, 1-based): chr2:178,620,541, C>T on the plus strand (G>A on the coding strand, the complement: TTN is on the minus strand). VCF-style: chr2-178620541-C-T. GRCh37 (hg19) VCF-style: chr2-179485268-C-T.
Other names: c.41057G>A, p.Arg13686His (NM_001256850.1); c.18785G>A, p.Arg6262His (NM_003319.4); c.38276G>A, p.Arg12759His (NM_133378.4); c.19160G>A, p.Arg6387His (NM_133432.3); c.19361G>A, p.Arg6454His (NM_133437.4); short protein forms R15327H, R6262H, R13686H, R6454H, R6387H, R12759H.
Identifiers: ClinVar variation 264134 (VCV000264134.8), dbSNP rs374697274, ClinGen allele CA1995325.